The following is an entry in ClinVar:

ClinVar aggregate classification (germline): Uncertain significance. Review status: criteria provided, multiple submitters, no conflicts (2 of 4 stars). 5 submissions from 5 submitters: Uncertain significance (5). Last evaluated 2025-12-16.

Conditions:
Classic or attenuated familial adenomatous polyposis. Identifiers: MedGen CN372698, MONDO:0021057.
Hereditary cancer-predisposing syndrome. Also called: Hereditary neoplastic syndrome; Tumor predisposition; Neoplastic Syndromes, Hereditary; Hereditary Cancer Syndrome. Identifiers: Orphanet 140162, MedGen C0027672, MeSH D009386, MONDO:0015356.
Familial adenomatous polyposis 1 (FAP1). Also called: FAMILIAL ADENOMATOUS POLYPOSIS 1, ATTENUATED; POLYPOSIS, ADENOMATOUS INTESTINAL. Identifiers: MedGen C2713442, MONDO:0021056, OMIM 175100. Disease mechanism: loss of function.

Allele frequency attached by ClinVar (database versions not stated): TOPMed below 0.00001.
gnomAD v4.1: 16 of 1,614,142 alleles (0.00099%); highest among the groups gnomAD compares: Non-Finnish European, 0.0012%; no homozygotes.

Submissions (5):

Color Diagnostics, LLC DBA Color Health
Classification: Uncertain significance for Hereditary cancer-predisposing syndrome. Last evaluated: 2025-12-16. Review status: criteria provided, single submitter. Criteria: ACMG Guidelines, 2015. Collection method: clinical testing. Allele origin: germline.
Comment: This missense variant replaces proline with arginine at codon 1076 of the APC protein. Computational prediction suggests that this variant may not impact protein structure and function. APC is defined as a gene for which primarily truncating variants are known to cause disease (ClinGen HCCP VCEP). To our knowledge, functional studies have not been reported for this variant. This variant has not been reported in individuals affected with APC-related disorders in the literature. This variant has been identified in 16/1614142 chromosomes in the general population by the Genome Aggregation Database (gnomAD). The available evidence is insufficient to determine the role of this variant in disease conclusively. Therefore, this variant is classified as a Variant of Uncertain Significance.

Labcorp Genetics (formerly Invitae), Labcorp
Classification: Uncertain significance for Familial adenomatous polyposis 1. Last evaluated: 2025-12-01. Review status: criteria provided, single submitter. Criteria: Invitae Variant Classification Sherloc (09022015). Collection method: clinical testing. Allele origin: germline.
Comment: This sequence change replaces proline, which is neutral and non-polar, with arginine, which is basic and polar, at codon 1076 of the APC protein (p.Pro1076Arg). This variant is not present in population databases (gnomAD no frequency). This variant has not been reported in the literature in individuals affected with APC-related conditions. ClinVar contains an entry for this variant (Variation ID: 420886). Invitae Evidence Modeling of protein sequence and biophysical properties (such as structural, functional, and spatial information, amino acid conservation, physicochemical variation, residue mobility, and thermodynamic stability) indicates that this missense variant is not expected to disrupt APC protein function with a negative predictive value of 95%. In summary, the available evidence is currently insufficient to determine the role of this variant in disease. Therefore, it has been classified as a Variant of Uncertain Significance.

Ambry Genetics
Classification: Uncertain significance for Hereditary cancer-predisposing syndrome. Last evaluated: 2024-11-07. Review status: criteria provided, single submitter. Criteria: Ambry Variant Classification Scheme 2023. Collection method: clinical testing. Allele origin: germline.
Comment: The p.P1076R variant (also known as c.3227C>G), located in coding exon 15 of the APC gene, results from a C to G substitution at nucleotide position 3227. The proline at codon 1076 is replaced by arginine, an amino acid with dissimilar properties. This amino acid position is well conserved in available vertebrate species. In addition, in silico predictors for this gene do not accurately predict pathogenicity. Since supporting evidence is limited at this time, the clinical significance of this alteration remains unclear.

All of Us Research Program, National Institutes of Health
Classification: Uncertain significance for Classic or attenuated familial adenomatous polyposis. Last evaluated: 2024-07-20. Review status: criteria provided, single submitter. Criteria: ACMG Guidelines, 2015. Collection method: clinical testing. Allele origin: germline. Inheritance: Autosomal dominant inheritance. Observed: 1 variant allele, 1 heterozygote.
Comment: This missense variant replaces proline with arginine at codon 1076 of the APC protein. Computational prediction suggests that this variant may not impact protein structure and function (internally defined REVEL score threshold <= 0.5, PMID: 27666373). To our knowledge, functional studies have not been reported for this variant. This variant has not been reported in individuals affected with APC-related disorders in the literature. This variant has not been identified in the general population by the Genome Aggregation Database (gnomAD). The available evidence is insufficient to determine the role of this variant in disease conclusively. Therefore, this variant is classified as a Variant of Uncertain Significance.

This study involves interpretation of variants in research participants for the purpose of population health screening. Participant phenotype was not available at the time of variant classification. Additional details can be found in publication PMID: 35346344, PMCID: PMC8962531

GeneDx
Classification: Uncertain significance. Last evaluated: 2022-09-16. Review status: criteria provided, single submitter. Criteria: GeneDx Variant Classification Process June 2021. Collection method: clinical testing. Allele origin: germline. Affected: yes.
Comment: Not observed at significant frequency in large population cohorts (gnomAD); In silico analysis supports that this missense variant does not alter protein structure/function; Has not been previously published as pathogenic or benign to our knowledge; This variant is associated with the following publications: (PMID: 18199528)

NM_000038.6(APC):c.3227C>G (p.Pro1076Arg)

Gene: APC (APC regulator of Wnt signaling pathway; plus strand). Cytogenetic location: 5q22.2.
Variant type: single nucleotide variant.
Coding change: c.3227C>G on transcript NM_000038.6 (MANE Select); coding-DNA position 3227, C replaced by G.
Protein change: p.Pro1076Arg; replaces proline 1076 with arginine.
Molecular consequence: missense variant.
Genome position (GRCh38, 1-based): chr5:112,838,821, C>G. VCF-style: chr5-112838821-C-G. GRCh37 (hg19) VCF-style: chr5-112174518-C-G.
Other names: c.3227C>G, p.Pro1076Arg (NM_001127510.3, NM_001354895.2); c.3173C>G, p.Pro1058Arg (NM_001127511.3); c.3281C>G, p.Pro1094Arg (NM_001354896.2); c.3257C>G, p.Pro1086Arg (NM_001354897.2); c.3152C>G, p.Pro1051Arg (NM_001354898.2); c.3143C>G, p.Pro1048Arg (NM_001354899.2); c.3104C>G, p.Pro1035Arg (NM_001354900.2); c.3050C>G, p.Pro1017Arg (NM_001354901.2); and 5 more; short protein forms P1058R, P1076R, P975R, P985R, P1017R, P1035R, P1048R, P793R.
Identifiers: ClinVar variation 420886 (VCV000420886.26), dbSNP rs766394131, ClinGen allele CA16028414.